The following is an entry in ClinVar:

ClinVar aggregate classification (germline): Likely benign (1 of 4 stars; one submission).

Conditions:
COL4A6-related disorder. Also called: COL4A6-related condition.

gnomAD v4.1: 5 of 1,206,487 alleles (0.00041%); highest among the groups gnomAD compares: East Asian, 0.0089%; no homozygotes.

Submission:

PreventionGenetics, part of Exact Sciences
Classification: Likely benign for COL4A6-related condition. Last evaluated: 2026-06-26. Review status: criteria provided, single submitter. Criteria: ACMG Guidelines, 2015. Collection method: clinical testing. Allele origin: germline.
Comment: This variant is classified as likely benign based on ACMG/AMP sequence variant interpretation guidelines (Richards et al. 2015 PMID: 25741868, with internal and published modifications).

NM_033641.4(COL4A6):c.3828A>G (p.Gly1276=)

Gene: COL4A6 (collagen type IV alpha 6 chain; minus strand). Cytogenetic location: Xq22.3.
Variant type: single nucleotide variant.
Coding change: c.3828A>G on transcript NM_033641.4 (MANE Select); coding-DNA position 3828, A replaced by G.
Protein change: p.Gly1276=; no amino-acid change (glycine 1276 retained).
Molecular consequence: synonymous variant.
Genome position (GRCh38, 1-based): chrX:108,165,019, T>C on the plus strand (A>G on the coding strand, the complement: COL4A6 is on the minus strand). VCF-style: chrX-108165019-T-C. GRCh37 (hg19) VCF-style: chrX-107408249-T-C.
Other names: c.3879A>G, p.Gly1293= (NM_001287758.2); c.3756A>G, p.Gly1252= (NM_001287759.2, NM_001287760.2); c.3831A>G, p.Gly1277= (NM_001847.4).
Identifiers: ClinVar variation 4978172 (VCV004978172.1).